The following is an entry in ClinVar:

NM_004415.4(DSP):c.5542A>C (p.Arg1848=)

Gene: DSP (desmoplakin; plus strand). Cytogenetic location: 6p24.3.
Variant type: single nucleotide variant.
Coding change: c.5542A>C on transcript NM_004415.4 (MANE Select); coding-DNA position 5542, A replaced by C.
Protein change: p.Arg1848=; no amino-acid change (arginine 1848 retained).
Molecular consequence: synonymous variant.
Genome position (GRCh38, 1-based): chr6:7,582,804, A>C. VCF-style: chr6-7582804-A-C. GRCh37 (hg19) VCF-style: chr6-7583037-A-C.
Other names: c.3745A>C, p.Arg1249= (NM_001008844.3); c.4213A>C, p.Arg1405= (NM_001319034.2).
Identifiers: ClinVar variation 3069503 (VCV003069503.1), dbSNP rs886038805, ClinGen allele CA448715347.

ClinVar aggregate classification (germline): Uncertain significance (1 of 4 stars; one submission).

Conditions:
Arrhythmogenic cardiomyopathy with wooly hair and keratoderma. Also called: Carvajal syndrome; PALMOPLANTAR KERATODERMA WITH LEFT VENTRICULAR CARDIOMYOPATHY AND WOOLLY HAIR; Dilated cardiomyopathy with woolly hair and keratoderma; Arrhythmogenic cardiomyopathy with woolly hair and keratoderma. Identifiers: Orphanet 65282, MedGen C1854063, MONDO:0011581, OMIM 605676.

Submission:

All of Us Research Program, National Institutes of Health
Classification: Uncertain significance for Arrhythmogenic cardiomyopathy with wooly hair and keratoderma. Last evaluated: 2023-02-24. Review status: criteria provided, single submitter. Criteria: ACMG Guidelines, 2015. Collection method: clinical testing. Allele origin: germline. Inheritance: Autosomal dominant inheritance. Observed: 1 variant allele, 1 heterozygote.
Comment: This variant is located in the DSP protein. To our knowledge, functional studies have not been reported for this variant. This variant has not been reported in individuals affected with DSP-related disorders in the literature. This variant has not been identified in the general population by the Genome Aggregation Database (gnomAD). The available evidence is insufficient to determine the role of this variant in disease conclusively. Therefore, this variant is classified as a Variant of Uncertain Significance.

This study involves interpretation of variants in research participants for the purpose of population health screening. Participant phenotype was not available at the time of variant classification. Additional details can be found in publication PMID: 35346344, PMCID: PMC8962531